The following is an entry in ClinVar:

NM_001267550.2(TTN):c.34823del (p.Pro11608fs)

Gene: TTN (titin; minus strand). Cytogenetic location: 2q31.2.
Variant type: Deletion.
Coding change: c.34823del on transcript NM_001267550.2 (MANE Select); coding-DNA position 34823, one base deleted (C; older notation c.34823delC).
Protein change: p.Pro11608fs; shifts the reading frame from proline 11608.
Molecular consequence: frameshift variant. On other transcripts: intron variant (3).
Genome position (GRCh38, 1-based): chr2:178,672,667, G deleted on the plus strand (C on the coding strand, the reverse complement: TTN is on the minus strand); the first of 2 consecutive G bases (chr2:178,672,667-178,672,668); deleting either gives the same sequence. VCF-style (leftmost placement, unchanged base first): chr2-178672666-AG-A. GRCh37 (hg19) VCF-style: chr2-179537393-AG-A.
Other names: c.33701del, p.Pro11234fs (NM_001256850.1); c.30920del, p.Pro10307fs (NM_133378.4); c.13283-30350del (NM_003319.4); c.13859-30350del (NM_133437.4); c.13658-30350del (NM_133432.3); short protein forms P11234fs, P10307fs, P11608fs.
Identifiers: ClinVar variation 2093375 (VCV002093375.4), dbSNP rs2473501928, ClinGen allele CA2580065047.

ClinVar aggregate classification (germline): Likely pathogenic (1 of 4 stars; one submission).

Conditions:
Autosomal recessive limb-girdle muscular dystrophy type 2J (LGMDR10). Also called: Limb-girdle muscular dystrophy, type 2J; MUSCULAR DYSTROPHY, LIMB-GIRDLE, AUTOSOMAL RECESSIVE 10. Identifiers: Orphanet 140922, MedGen C1837342, MONDO:0012127, OMIM 608807.
Dilated cardiomyopathy 1G (CMD1G). Identifiers: Orphanet 154, MedGen C1858763, MONDO:0011400, OMIM 604145.

Submission:

Labcorp Genetics (formerly Invitae), Labcorp
Classification: Likely pathogenic for Dilated cardiomyopathy 1G; Autosomal recessive limb-girdle muscular dystrophy type 2J. Last evaluated: 2024-10-18. Review status: criteria provided, single submitter. Criteria: Invitae Variant Classification Sherloc (09022015). Collection method: clinical testing. Allele origin: germline.
Comment: This sequence change creates a premature translational stop signal (p.Pro11608Leufs*53) in the TTN gene. While this is not anticipated to result in nonsense mediated decay, it is expected to create a truncated TTN protein. This variant is not present in population databases (gnomAD no frequency). This variant has not been reported in the literature in individuals affected with TTN-related conditions. ClinVar contains an entry for this variant (Variation ID: 2093375). Algorithms developed to predict the effect of sequence changes on RNA splicing suggest that this variant may disrupt the consensus splice site. This variant is located in the I band of TTN (PMID: 25589632). Truncating variants in this region have been reported in individuals affected with autosomal recessive centronuclear myopathy (PMID: 23975875, internal data). Truncating variants in this region have also been identified in individuals affected with autosomal dominant dilated cardiomyopathy and/or cardio-related conditions (PMID: 27869827, 32964742, internal data). In summary, the currently available evidence indicates that the variant is pathogenic, but additional data are needed to prove that conclusively. Therefore, this variant has been classified as Likely Pathogenic.

Literature cited by the submitters: PubMed 25589632; PubMed 23975875; PubMed 27869827; PubMed 32964742.